The following is an entry in ClinVar:

ClinVar aggregate classification (germline): Uncertain significance (1 of 4 stars; one submission).

Conditions:
GRN-related frontotemporal lobar degeneration with Tdp43 inclusions (FTD2). Also called: DEMENTIA, HEREDITARY DYSPHASIC DISINHIBITION; FRONTOTEMPORAL LOBAR DEGENERATION WITH UBIQUITIN-POSITIVE INCLUSIONS; FTLD-TDP, GRN-RELATED; GRN Frontotemporal Dementia; FRONTOTEMPORAL DEMENTIA WITH TDP43 INCLUSIONS, GRN-RELATED. Identifiers: Orphanet 100070, Orphanet 282, MedGen C1843792, MONDO:0011842, OMIM 607485. Disease mechanism: loss of function.
Neuronal ceroid lipofuscinosis 11. Also called: GRN-Related Neuronal Ceroid-Lipofuscinosis. Identifiers: Orphanet 314629, Orphanet 79262, MedGen C3539123, MONDO:0013866, OMIM 614706.

Submission:

Labcorp Genetics (formerly Invitae), Labcorp
Classification: Uncertain significance for Neuronal ceroid lipofuscinosis 11; GRN-related frontotemporal lobar degeneration with Tdp43 inclusions. Last evaluated: 2021-08-31. Review status: criteria provided, single submitter. Criteria: Invitae Variant Classification Sherloc (09022015). Collection method: clinical testing. Allele origin: germline.
Comment: This sequence change replaces alanine with valine at codon 37 of the GRN protein (p.Ala37Val). The alanine residue is weakly conserved and there is a small physicochemical difference between alanine and valine. This variant is not present in population databases (ExAC no frequency). This variant has not been reported in the literature in individuals affected with GRN-related conditions. Algorithms developed to predict the effect of missense changes on protein structure and function output the following: SIFT: "Tolerated"; PolyPhen-2: "Benign"; Align-GVGD: "Class C0". The valine amino acid residue is found in multiple mammalian species, which suggests that this missense change does not adversely affect protein function. In summary, the available evidence is currently insufficient to determine the role of this variant in disease. Therefore, it has been classified as a Variant of Uncertain Significance.

NM_002087.4(GRN):c.110C>T (p.Ala37Val)

Gene: GRN (granulin precursor; plus strand). Cytogenetic location: 17q21.31.
Variant type: single nucleotide variant.
Coding change: c.110C>T on transcript NM_002087.4 (MANE Select); coding-DNA position 110, C replaced by T.
Protein change: p.Ala37Val; replaces alanine 37 with valine.
Molecular consequence: missense variant.
Genome position (GRCh38, 1-based): chr17:44,349,274, C>T. VCF-style: chr17-44349274-C-T. GRCh37 (hg19) VCF-style: chr17-42426642-C-T.
Other names: short protein forms A37V.
Identifiers: ClinVar variation 1504449 (VCV001504449.6), dbSNP rs1248005591, ClinGen allele CA399759385.